The following is an entry in ClinVar:

ClinVar aggregate classification (germline): Uncertain significance. Review status: criteria provided, multiple submitters, no conflicts (2 of 4 stars). 3 submissions from 3 submitters: Uncertain significance (3). Last evaluated 2025-09-07.

Allele frequency attached by ClinVar (database versions not stated): gnomAD 0.00007; 1000 Genomes Project 0.00020; ExAC 0.00002; TOPMed 0.00009; 1000 Genomes Project 30x 0.00016.
gnomAD v4.1: 24 of 1,612,354 alleles (0.0015%); highest among the groups gnomAD compares: African/African-American, 0.031%; no homozygotes.

Submissions (3):

Dasa
Classification: Uncertain significance. Last evaluated: 2025-09-07. Review status: criteria provided, single submitter. Criteria: DASA Assertion Criteria. Collection method: clinical testing. Allele origin: germline.
Comment: NM_031935.3(HMCN1):c.5572A>T (p.Ile1858Phe) is a missense variant that results in the substitution of isoleucine with phenylalanine. This variant is rare in population databases. The currently available literature and clinical evidence are not sufficient to establish a definitive association between this variant and the reported condition. Therefore, this variant is classified as a variant of uncertain significance.

Ambry Genetics
Classification: Uncertain significance. Last evaluated: 2023-12-18. Review status: criteria provided, single submitter. Criteria: Ambry Variant Classification Scheme 2023. Collection method: clinical testing. Allele origin: germline.

Labcorp Genetics (formerly Invitae), Labcorp
Classification: Uncertain significance. Last evaluated: 2022-03-02. Review status: criteria provided, single submitter. Criteria: Invitae Variant Classification Sherloc (09022015). Collection method: clinical testing. Allele origin: germline.
Comment: Algorithms developed to predict the effect of missense changes on protein structure and function are either unavailable or do not agree on the potential impact of this missense change (SIFT: "Deleterious"; PolyPhen-2: "Possibly Damaging"; Align-GVGD: "Class C0"). In summary, the available evidence is currently insufficient to determine the role of this variant in disease. Therefore, it has been classified as a Variant of Uncertain Significance. This sequence change replaces isoleucine, which is neutral and non-polar, with phenylalanine, which is neutral and non-polar, at codon 1858 of the HMCN1 protein (p.Ile1858Phe). This variant is present in population databases (rs200642806, gnomAD 0.05%). This variant has not been reported in the literature in individuals affected with HMCN1-related conditions.

NM_031935.3(HMCN1):c.5572A>T (p.Ile1858Phe)

Gene: HMCN1 (hemicentin 1; plus strand). Cytogenetic location: 1q31.1.
Variant type: single nucleotide variant.
Coding change: c.5572A>T on transcript NM_031935.3 (MANE Select); coding-DNA position 5572, A replaced by T.
Protein change: p.Ile1858Phe; replaces isoleucine 1858 with phenylalanine.
Molecular consequence: missense variant.
Genome position (GRCh38, 1-based): chr1:186,019,642, A>T. VCF-style: chr1-186019642-A-T. GRCh37 (hg19) VCF-style: chr1-185988774-A-T.
Other names: c.5572A>T (NM_031935.2); short protein forms I1858F.
Identifiers: ClinVar variation 1461651 (VCV001461651.9), dbSNP rs200642806, ClinGen allele CA1292298.